The following is an entry in ClinVar:

ClinVar aggregate classification (germline): Uncertain significance (1 of 4 stars; one submission).

Allele frequency attached by ClinVar (database versions not stated): gnomAD 0.00001; TOPMed 0.00003.
gnomAD v4.1: 6 of 1,551,654 alleles (0.00039%); highest among the groups gnomAD compares: African/African-American, 0.0014%; no homozygotes.

Submission:

Labcorp Genetics (formerly Invitae), Labcorp
Classification: Uncertain significance. Last evaluated: 2024-10-28. Review status: criteria provided, single submitter. Criteria: Invitae Variant Classification Sherloc (09022015). Collection method: clinical testing. Allele origin: germline.
Comment: This sequence change replaces serine, which is neutral and polar, with asparagine, which is neutral and polar, at codon 538 of the CPLANE1 protein (p.Ser538Asn). This variant is not present in population databases (gnomAD no frequency). This variant has not been reported in the literature in individuals affected with CPLANE1-related conditions. ClinVar contains an entry for this variant (Variation ID: 1912754). Invitae Evidence Modeling of protein sequence and biophysical properties (such as structural, functional, and spatial information, amino acid conservation, physicochemical variation, residue mobility, and thermodynamic stability) indicates that this missense variant is not expected to disrupt CPLANE1 protein function with a negative predictive value of 95%. In summary, the available evidence is currently insufficient to determine the role of this variant in disease. Therefore, it has been classified as a Variant of Uncertain Significance.

NM_001384732.1(CPLANE1):c.1613G>A (p.Ser538Asn)

Gene: CPLANE1 (ciliogenesis and planar polarity effector complex subunit 1; minus strand). Cytogenetic location: 5p13.2.
Variant type: single nucleotide variant.
Coding change: c.1613G>A on transcript NM_001384732.1 (MANE Select); coding-DNA position 1613, G replaced by A.
Protein change: p.Ser538Asn; replaces serine 538 with asparagine.
Molecular consequence: missense variant.
Genome position (GRCh38, 1-based): chr5:37,226,982, C>T on the plus strand (G>A on the coding strand, the complement: CPLANE1 is on the minus strand). VCF-style: chr5-37226982-C-T. GRCh37 (hg19) VCF-style: chr5-37227084-C-T.
Other names: c.1613G>A, p.Ser538Asn (NM_023073.4); short protein forms S538N.
Identifiers: ClinVar variation 1912754 (VCV001912754.4), dbSNP rs954907723, ClinGen allele CA117057853.